The following is an entry in ClinVar:

ClinVar aggregate classification (germline): Pathogenic. Review status: criteria provided, multiple submitters, no conflicts (2 of 4 stars). 7 submissions from 7 submitters: Pathogenic (6). 1 of the submissions does not count toward it. Last evaluated 2025-09-25.

Conditions:
Hereditary cancer-predisposing syndrome. Also called: Neoplastic Syndromes, Hereditary; Hereditary neoplastic syndrome; Tumor predisposition; Hereditary Cancer Syndrome. Identifiers: Orphanet 140162, MedGen C0027672, MeSH D009386, MONDO:0015356.
Familial cancer of breast. Also called: hereditary breast carcinoma; Hereditary breast cancer; BREAST CANCER, FAMILIAL. Identifiers: Orphanet 227535, MedGen C0346153, MONDO:0016419, OMIM 114480. Disease mechanism: loss of function.
Ataxia-telangiectasia syndrome (AT). Also called: Ataxia telangiectasia (A-T); Cerebello-oculocutaneous telangiectasia; Immunodeficiency with ataxia telangiectasia; LOUIS-BAR SYNDROME; AT, COMPLEMENTATION GROUP C; ATAXIA-TELANGIECTASIA, FRESNO VARIANT. Identifiers: Orphanet 100, MedGen C0004135, MONDO:0008840, OMIM 208900.

Submissions (7):

Ambry Genetics
Classification: Pathogenic for Hereditary cancer-predisposing syndrome. Last evaluated: 2025-09-25. Review status: criteria provided, single submitter. Criteria: Ambry Variant Classification Scheme 2023. Collection method: clinical testing. Allele origin: germline.
Comment: The c.7088delA pathogenic mutation, located in coding exon 47 of the ATM gene, results from a deletion of one nucleotide at nucleotide position 7088, causing a translational frameshift with a predicted alternate stop codon (p.K2363Rfs*3). This alteration was identified in the homozygous state in two siblings with ataxia-telangiectasia (Kuznetsova MV et al. Front Neurol. 2017 Oct;8:570). This variant is considered to be rare based on population cohorts in the Genome Aggregation Database (gnomAD). This alteration is expected to result in loss of function by premature protein truncation or nonsense-mediated mRNA decay. As such, this alteration is interpreted as a disease-causing mutation.

GeneKor MSA
Classification: Pathogenic for Hereditary cancer-predisposing syndrome. Last evaluated: 2025-06-25. Review status: criteria provided, single submitter. Criteria: ACMG Guidelines, 2015. Collection method: clinical testing. Allele origin: germline. Affected: yes.
Comment: This variant is a single nucleotide deletion in exon 48 of the ATM mRNA -c.(7088del). This creates a premature translational stop signal 3 amino acid residues later p.( Lys2363Argfs*3). It is expected to result in an absent or disrupted protein product. Loss-of-function variants in ATM are known to be pathogenic (PMID:23807571, 25614872). This variant is not present in population databases (rs876658512). This premature translational stop signal has been observed in homozygosity in individuals with ataxia telangiectasia (PMID:29163336). It has also been observed to segregate with disease in related individuals. ClinVar contains an entry for this variant (VCV000230341.21). For all reasons stated above, this variant has been classified as pathogenic.

Myriad Genetics, Inc.
Classification: Pathogenic for Familial cancer of breast. Last evaluated: 2024-01-30. Review status: criteria provided, single submitter. Criteria: Myriad Autosomal Dominant, Autosomal Recessive and X-Linked Classification Criteria (2023). Collection method: clinical testing. Allele origin: unknown.
Comment: This variant is considered pathogenic. This variant creates a frameshift predicted to result in premature protein truncation.

Labcorp Genetics (formerly Invitae), Labcorp
Classification: Pathogenic for Ataxia-telangiectasia syndrome. Last evaluated: 2023-09-08. Review status: criteria provided, single submitter. Criteria: Invitae Variant Classification Sherloc (09022015). Collection method: clinical testing. Allele origin: germline.
Comment: For these reasons, this variant has been classified as Pathogenic. This premature translational stop signal has been observed in individual(s) with ataxia telangiectasia (PMID: 29163336). It has also been observed to segregate with disease in related individuals. ClinVar contains an entry for this variant (Variation ID: 230341). This variant is not present in population databases (gnomAD no frequency). This sequence change creates a premature translational stop signal (p.Lys2363Argfs*3) in the ATM gene. It is expected to result in an absent or disrupted protein product. Loss-of-function variants in ATM are known to be pathogenic (PMID: 23807571, 25614872).

Genome-Nilou Lab
Classification: Pathogenic for Ataxia-telangiectasia syndrome. Last evaluated: 2021-07-22. Review status: criteria provided, single submitter. Criteria: ACMG Guidelines, 2015. Collection method: clinical testing. Allele origin: germline. Affected: no.

Color Diagnostics, LLC DBA Color Health
Classification: Pathogenic for Hereditary cancer-predisposing syndrome. Last evaluated: 2020-01-15. Review status: criteria provided, single submitter. Criteria: ACMG Guidelines, 2015. Collection method: clinical testing. Allele origin: germline.
Comment: This variant deletes 1 nucleotide in exon 48 of the ATM gene, creating a frameshift and premature translation stop signal. This variant is expected to result in an absent or non-functional protein product. This variant has not been identified in the general population by the Genome Aggregation Database (gnomAD). Loss of ATM function is a known mechanism of disease. Based on the available evidence, this variant is classified as Pathogenic.

Molecular Genetics Department, Kulakov National Medical Research Center for Obstetrics, Gynecology and Perinatology
Classification: Pathogenic for Ataxia-telangiectasia syndrome. Review status: no assertion criteria provided. Collection method: research. Allele origin: somatic. Inheritance: Autosomal recessive inheritance. Affected: yes and no. Observed: 6 variant alleles, 4 heterozygotes, 2 homozygotes. Not counted in ClinVar's aggregate classification.

Literature cited by the submitters: PubMed 29163336 (cited by 3 submitters); PubMed 23807571 (cited by GeneKor MSA and Labcorp Genetics (formerly Invitae), Labcorp); PubMed 25614872 (cited by GeneKor MSA and Labcorp Genetics (formerly Invitae), Labcorp).

NM_000051.4(ATM):c.7088del (p.Lys2363fs)

Genes: ATM (ATM serine/threonine kinase; plus strand), C11orf65 (chromosome 11 open reading frame 65; minus strand). Cytogenetic location: 11q22.3.
Variant type: Deletion.
Coding change: c.7088del on transcript NM_000051.4 (MANE Select); coding-DNA position 7088, one base deleted (A; older notation c.7088delA).
Protein change: p.Lys2363fs; shifts the reading frame from lysine 2363.
Molecular consequence: frameshift variant. On other transcripts: intron variant (2).
Genome position (GRCh38, 1-based): chr11:108,327,757, A deleted; the last of 4 consecutive A bases (chr11:108,327,754-108,327,757); deleting any one gives the same sequence. VCF-style (leftmost placement, unchanged base first): chr11-108327753-GA-G. GRCh37 (hg19) VCF-style: chr11-108198480-GA-G.
Other names: c.7088delA, p.Lys2363Argfs (NM_000051.3); c.7088del, p.Lys2363fs (NM_001351834.2); c.641-18683del (NM_001330368.2); c.*38+7466del (NM_001351110.2); short protein forms K2363fs.
Identifiers: ClinVar variation 230341 (VCV000230341.22), dbSNP rs876658512, ClinGen allele CA10579250.